The following is an entry in ClinVar:

NM_001365276.2(TNXB):c.9806C>T (p.Ala3269Val)

Gene: TNXB (tenascin XB; minus strand). Cytogenetic location: 6p21.33.
Variant type: single nucleotide variant.
Coding change: c.9806C>T on transcript NM_001365276.2 (MANE Select); coding-DNA position 9806, C replaced by T.
Protein change: p.Ala3269Val; replaces alanine 3269 with valine.
Molecular consequence: missense variant.
Genome position (GRCh38, 1-based): chr6:32,048,602, G>A on the plus strand (C>T on the coding strand, the complement: TNXB is on the minus strand). VCF-style: chr6-32048602-G-A. GRCh37 (hg19) VCF-style: chr6-32016379-G-A.
Other names: c.9800C>T, p.Ala3267Val (NM_019105.8); short protein forms A3267V, A3269V.
Identifiers: ClinVar variation 1768264 (VCV001768264.2), dbSNP rs368984634, ClinGen allele CA136900265.

ClinVar aggregate classification (germline): Uncertain significance (1 of 4 stars; one submission).

Conditions:
Cardiovascular phenotype. Identifiers: MedGen CN230736.

Allele frequency attached by ClinVar (database versions not stated): TOPMed below 0.00001; gnomAD exomes 0.00001.
gnomAD v4.1: 5 of 1,534,396 alleles (0.00033%); highest among the groups gnomAD compares: South Asian, 0.0025%; no homozygotes.

Submission:

Ambry Genetics
Classification: Uncertain significance for Cardiovascular phenotype. Last evaluated: 2020-06-29. Review status: criteria provided, single submitter. Criteria: Ambry Variant Classification Scheme 2023. Collection method: clinical testing. Allele origin: germline.
Comment: The p.A3267V variant (also known as c.9800C>T), located in coding exon 28 of the TNXB gene, results from a C to T substitution at nucleotide position 9800. The alanine at codon 3267 is replaced by valine, an amino acid with similar properties. This amino acid position is poorly conserved in available vertebrate species. In addition, this alteration is predicted to be tolerated by in silico analysis. Since supporting evidence is limited at this time, the clinical significance of this alteration remains unclear.